The following is an entry in ClinVar:

NM_001243133.2(NLRP3):c.785T>G (p.Val262Gly)

Gene: NLRP3 (NLR family pyrin domain containing 3; plus strand). Cytogenetic location: 1q44.
Variant type: single nucleotide variant.
Coding change: c.785T>G on transcript NM_001243133.2 (MANE Select); coding-DNA position 785, T replaced by G.
Protein change: p.Val262Gly; replaces valine 262 with glycine.
Molecular consequence: missense variant.
Genome position (GRCh38, 1-based): chr1:247,424,234, T>G. VCF-style: chr1-247424234-T-G. GRCh37 (hg19) VCF-style: chr1-247587536-T-G.
Other names: c.785T>G, p.Val262Gly (NM_001079821.3, NM_001127461.3, NM_001127462.3 and 1 more transcripts); c.791T>G, p.Val264Gly (NM_004895.5); short protein forms V264G, V262G.
Identifiers: ClinVar variation 97972 (VCV000097972.4), dbSNP rs104895392, ClinGen allele CA281363.

ClinVar aggregate classification (germline): Likely pathogenic. Review status: criteria provided, single submitter (1 of 4 stars). 2 submissions from 2 submitters: Likely pathogenic (1). 1 of the submissions does not count toward it. Last evaluated 2020-01-02.

Conditions:
Familial cold autoinflammatory syndrome 1 (FCAS1). Also called: CRYOPYRIN-ASSOCIATED PERIODIC SYNDROME 1; Familial cold inflammatory syndrome 1. Identifiers: Orphanet 47045, MedGen C4551895, MONDO:0007349, OMIM 120100.

Submissions (2):

GeneDx
Classification: Likely pathogenic. Last evaluated: 2020-01-02. Review status: criteria provided, single submitter. Criteria: GeneDx Variant Classification Process June 2021. Collection method: clinical testing. Allele origin: germline. Affected: yes.
Comment: Not observed in large population cohorts (Lek et al., 2016); In silico analysis, which includes protein predictors and evolutionary conservation, supports a deleterious effect; This variant is associated with the following publications: (PMID: 30772614, 18174231)

Unité médicale des maladies autoinflammatoires, CHRU Montpellier
No classification provided. Condition: Familial cold urticaria. Review status: no classification provided. Collection method: not provided. Allele origin: unknown. Not counted in ClinVar's aggregate classification.
Comment: also involved in OMIM 191900 and 607115